The following is an entry in ClinVar:

NM_017739.4(POMGNT1):c.169T>G (p.Leu57Val)

Gene: POMGNT1 (protein O-linked mannose N-acetylglucosaminyltransferase 1 (beta 1,2-); minus strand). Cytogenetic location: 1p34.1.
Variant type: single nucleotide variant.
Coding change: c.169T>G on transcript NM_017739.4 (MANE Select); coding-DNA position 169, T replaced by G.
Protein change: p.Leu57Val; replaces leucine 57 with valine.
Molecular consequence: missense variant. On other transcripts: 5 prime UTR variant (1).
Genome position (GRCh38, 1-based): chr1:46,197,036, A>C on the plus strand (T>G on the coding strand, the complement: POMGNT1 is on the minus strand). VCF-style: chr1-46197036-A-C. GRCh37 (hg19) VCF-style: chr1-46662708-A-C.
Other names: c.169T>G, p.Leu57Val (NM_001243766.2, NM_001410783.1); c.103T>G, p.Leu35Val (NM_001290129.3); c.-261T>G (NM_001290130.2); short protein forms L57V, L35V.
Identifiers: ClinVar variation 1931555 (VCV001931555.2), dbSNP rs747905919, ClinGen allele CA833837.

ClinVar aggregate classification (germline): Uncertain significance (1 of 4 stars; one submission).

Conditions:
Muscular dystrophy-dystroglycanopathy (congenital with impaired intellectual development), type B, 3. Also called: MUSCULAR DYSTROPHY, CONGENITAL, POMGNT1-RELATED; Muscular dystrophy-dystroglycanopathy (congenital with intellectual disability), type B3. Identifiers: MedGen C3150412, MONDO:0013155, OMIM 613151.
Autosomal recessive limb-girdle muscular dystrophy type 2O. Also called: MUSCULAR DYSTROPHY-DYSTROGLYCANOPATHY (LIMB-GIRDLE), TYPE C, 3; Limb-Girdle Muscular Dystrophy Type 3C; MUSCULAR DYSTROPHY-DYSTROGLYCANOPATHY, LIMB-GIRDLE, POMGNT1-RELATED. Identifiers: Orphanet 206564, MedGen C3150417, MONDO:0013161, OMIM 613157.

Allele frequency attached by ClinVar (database versions not stated): gnomAD exomes below 0.00001; ExAC 0.00001.

Submission:

Labcorp Genetics (formerly Invitae), Labcorp
Classification: Uncertain significance for Autosomal recessive limb-girdle muscular dystrophy type 2O; Muscular dystrophy-dystroglycanopathy (congenital with impaired intellectual development), type B, 3. Last evaluated: 2022-06-08. Review status: criteria provided, single submitter. Criteria: Invitae Variant Classification Sherloc (09022015). Collection method: clinical testing. Allele origin: germline.
Comment: This sequence change replaces leucine, which is neutral and non-polar, with valine, which is neutral and non-polar, at codon 57 of the POMGNT1 protein (p.Leu57Val). This variant is present in population databases (rs747905919, gnomAD 0.003%). This variant has not been reported in the literature in individuals affected with POMGNT1-related conditions. Advanced modeling of protein sequence and biophysical properties (such as structural, functional, and spatial information, amino acid conservation, physicochemical variation, residue mobility, and thermodynamic stability) performed at Invitae indicates that this missense variant is not expected to disrupt POMGNT1 protein function. Algorithms developed to predict the effect of sequence changes on RNA splicing suggest that this variant may create or strengthen a splice site. In summary, the available evidence is currently insufficient to determine the role of this variant in disease. Therefore, it has been classified as a Variant of Uncertain Significance.